The following is an entry in ClinVar:

ClinVar aggregate classification (germline): Uncertain significance (1 of 4 stars; one submission).

Allele frequency attached by ClinVar (database versions not stated): TOPMed 0.00005; ESP Exome Variant Server 0.00008.
gnomAD v4.1: 56 of 1,613,896 alleles (0.0035%); highest among the groups gnomAD compares: Admixed American, 0.005%; no homozygotes.

Submission:

Labcorp Genetics (formerly Invitae), Labcorp
Classification: Uncertain significance. Last evaluated: 2025-12-30. Review status: criteria provided, single submitter. Criteria: Invitae Variant Classification Sherloc (09022015). Collection method: clinical testing. Allele origin: germline.
Comment: This sequence change replaces arginine, which is basic and polar, with glutamine, which is neutral and polar, at codon 851 of the TRIOBP protein (p.Arg851Gln). This variant is present in population databases (rs376111106, gnomAD 0.009%). This variant has not been reported in the literature in individuals affected with TRIOBP-related conditions. ClinVar contains an entry for this variant (Variation ID: 1393106). An algorithm developed to predict the effect of missense changes on protein structure and function outputs the following: PolyPhen-2: "Benign". The glutamine amino acid residue is found in multiple mammalian species, which suggests that this missense change does not adversely affect protein function. In summary, the available evidence is currently insufficient to determine the role of this variant in disease. Therefore, it has been classified as a Variant of Uncertain Significance.

NM_001039141.3(TRIOBP):c.2552G>A (p.Arg851Gln)

Gene: TRIOBP (TRIO and F-actin binding protein; plus strand). Cytogenetic location: 22q13.1.
Variant type: single nucleotide variant.
Coding change: c.2552G>A on transcript NM_001039141.3 (MANE Select); coding-DNA position 2552, G replaced by A.
Protein change: p.Arg851Gln; replaces arginine 851 with glutamine.
Molecular consequence: missense variant.
Genome position (GRCh38, 1-based): chr22:37,725,108, G>A. VCF-style: chr22-37725108-G-A. GRCh37 (hg19) VCF-style: chr22-38121115-G-A.
Other names: short protein forms R851Q.
Identifiers: ClinVar variation 1393106 (VCV001393106.9), dbSNP rs376111106, ClinGen allele CA10223902.